The following is an entry in ClinVar:

ClinVar aggregate classification (germline): Conflicting classifications of pathogenicity. Review status: criteria provided, conflicting classifications (1 of 4 stars). 5 submissions from 5 submitters: Uncertain significance (4); Likely benign (1). Last evaluated 2025-11-19.

Conditions:
GUCY2D-related disorder. Also called: GUCY2D-related condition.
Inborn genetic diseases. Identifiers: MedGen C0950123, MeSH D030342.
Cone-rod dystrophy 6 (CORD6). Also called: RETINAL CONE DYSTROPHY 2; Cone dystrophy progressive. Identifiers: Orphanet 1872, MedGen C1866293, MONDO:0011143, OMIM 601777.
Leber congenital amaurosis 1 (LCA1). Also called: RETINAL BLINDNESS, CONGENITAL; AMAUROSIS CONGENITA OF LEBER I; Congenital absence of the rods and cones; Leber's congenital tapetoretinal degeneration; Leber's congenital tapetoretinal dysplasia. Identifiers: Orphanet 65, MedGen C2931258, MONDO:0008764, OMIM 204000.

Allele frequency attached by ClinVar (database versions not stated): gnomAD 0.00001 and 0.00005; TOPMed 0.00008; 1000 Genomes Project 30x 0.00016; 1000 Genomes Project 0.00020.

Submissions (5):

Labcorp Genetics (formerly Invitae), Labcorp
Classification: Uncertain significance for Leber congenital amaurosis 1; Cone-rod dystrophy 6. Last evaluated: 2025-11-19. Review status: criteria provided, single submitter. Criteria: Invitae Variant Classification Sherloc (09022015). Collection method: clinical testing. Allele origin: germline.
Comment: This sequence change replaces methionine, which is neutral and non-polar, with isoleucine, which is neutral and non-polar, at codon 419 of the GUCY2D protein (p.Met419Ile). This variant is present in population databases (rs202111469, gnomAD 0.05%). This missense change has been observed in individual(s) with clinical features of GUCY2D-related conditions (internal data). ClinVar contains an entry for this variant (Variation ID: 959051). Invitae Evidence Modeling of protein sequence and biophysical properties (such as structural, functional, and spatial information, amino acid conservation, physicochemical variation, residue mobility, and thermodynamic stability) indicates that this missense variant is not expected to disrupt GUCY2D protein function with a negative predictive value of 80%. In summary, the available evidence is currently insufficient to determine the role of this variant in disease. Therefore, it has been classified as a Variant of Uncertain Significance.

Blueprint Genetics
Classification: Likely benign. Last evaluated: 2024-11-25. Review status: criteria provided, single submitter. Criteria: ACMG Guidelines, 2015. Collection method: clinical testing. Allele origin: germline.

PreventionGenetics, part of Exact Sciences
Classification: Uncertain significance for GUCY2D-related condition. Last evaluated: 2024-11-04. Review status: criteria provided, single submitter. Criteria: ACMG Guidelines, 2015. Collection method: clinical testing. Allele origin: germline.
Comment: The GUCY2D c.1257G>A variant is predicted to result in the amino acid substitution p.Met419Ile. To our knowledge, this variant has not been reported in the literature. This variant is reported in 0.045% of alleles in individuals of East Asian descent in gnomAD. At this time, the clinical significance of this variant is uncertain due to the absence of conclusive functional and genetic evidence.

Ambry Genetics
Classification: Uncertain significance for Inborn genetic diseases. Last evaluated: 2024-02-21. Review status: criteria provided, single submitter. Criteria: Ambry Variant Classification Scheme 2023. Collection method: clinical testing. Allele origin: germline.

Breakthrough Genomics
Classification: Uncertain significance. Review status: criteria provided, single submitter. Criteria: ACMG Guidelines, 2015. Collection method: not provided. Allele origin: germline. Inheritance: Autosomal recessive inheritance. Affected: yes.

NM_000180.4(GUCY2D):c.1257G>A (p.Met419Ile)

Gene: GUCY2D (guanylate cyclase 2D, retinal; plus strand). Cytogenetic location: 17p13.1.
Variant type: single nucleotide variant.
Coding change: c.1257G>A on transcript NM_000180.4 (MANE Select); coding-DNA position 1257, G replaced by A.
Protein change: p.Met419Ile; replaces methionine 419 with isoleucine.
Molecular consequence: missense variant.
Genome position (GRCh38, 1-based): chr17:8,006,593, G>A. VCF-style: chr17-8006593-G-A. GRCh37 (hg19) VCF-style: chr17-7909911-G-A.
Other names: short protein forms M419I.
Identifiers: ClinVar variation 959051 (VCV000959051.9), dbSNP rs202111469, ClinGen allele CA8365694.